The following is an entry in ClinVar:

NM_000321.3(RB1):c.2025A>T (p.Glu675Asp)

Gene: RB1 (RB transcriptional corepressor 1; plus strand). Cytogenetic location: 13q14.2.
Variant type: single nucleotide variant.
Coding change: c.2025A>T on transcript NM_000321.3 (MANE Select); coding-DNA position 2025, A replaced by T.
Protein change: p.Glu675Asp; replaces glutamic acid 675 with aspartic acid.
Molecular consequence: missense variant.
Genome position (GRCh38, 1-based): chr13:48,459,752, A>T. VCF-style: chr13-48459752-A-T. GRCh37 (hg19) VCF-style: chr13-49033888-A-T.
Other names: c.2025A>T, p.Glu675Asp (NM_001407165.1); short protein forms E675D.
Identifiers: ClinVar variation 3387574 (VCV003387574.3).

ClinVar aggregate classification (germline): Uncertain significance. Review status: criteria provided, multiple submitters, no conflicts (2 of 4 stars). 3 submissions from 3 submitters: Uncertain significance (3). Last evaluated 2025-01-06.

Conditions:
Retinoblastoma (RB1). Also called: RETINOBLASTOMA, SOMATIC. Identifiers: Orphanet 790, MedGen C0035335, MeSH D012175, MONDO:0008380, OMIM 180200, HP:0009919. Disease mechanism: loss of function. Inheritance: Both sporadic and heritable forms are tested..
Hereditary cancer-predisposing syndrome. Also called: Neoplastic Syndromes, Hereditary; Hereditary Cancer Syndrome; Tumor predisposition; Hereditary neoplastic syndrome. Identifiers: Orphanet 140162, MedGen C0027672, MeSH D009386, MONDO:0015356.

Submissions (3):

Ambry Genetics
Classification: Uncertain significance for Hereditary cancer-predisposing syndrome. Last evaluated: 2025-01-06. Review status: criteria provided, single submitter. Criteria: Ambry Variant Classification Scheme 2023. Collection method: clinical testing. Allele origin: germline.
Comment: The p.E675D variant (also known as c.2025A>T), located in coding exon 20 of the RB1 gene, results from an A to T substitution at nucleotide position 2025. The glutamic acid at codon 675 is replaced by aspartic acid, an amino acid with highly similar properties. This amino acid position is conserved. In addition, this alteration is predicted to be tolerated by in silico analysis. Based on the available evidence, the clinical significance of this variant remains unclear.

Color Diagnostics, LLC DBA Color Health
Classification: Uncertain significance for Retinoblastoma. Last evaluated: 2024-10-15. Review status: criteria provided, single submitter. Criteria: ACMG Guidelines, 2015. Collection method: clinical testing. Allele origin: germline.
Comment: This missense variant replaces glutamic acid with aspartic acid at codon 675 of the RB1 protein. Computational prediction suggests that this variant may not impact protein structure and function (internally defined REVEL score threshold <= 0.5, PMID: 27666373). To our knowledge, functional studies have not been reported for this variant. This variant has not been reported in individuals affected with RB1-related disorders in the literature. This variant has not been identified in the general population by the Genome Aggregation Database (gnomAD). The available evidence is insufficient to determine the role of this variant in disease conclusively. Therefore, this variant is classified as a Variant of Uncertain Significance.

All of Us Research Program, National Institutes of Health
Classification: Uncertain significance for Retinoblastoma. Last evaluated: 2024-08-19. Review status: criteria provided, single submitter. Criteria: ACMG Guidelines, 2015. Collection method: clinical testing. Allele origin: germline. Inheritance: Autosomal dominant inheritance. Observed: 1 variant allele, 1 heterozygote.
Comment: This study involves interpretation of variants in research participants for the purpose of population health screening. Participant phenotype was not available at the time of variant classification. Additional details can be found in publication PMID: 35346344, PMCID: PMC8962531